The following is an entry in ClinVar:

ClinVar aggregate classification (germline): Likely pathogenic (1 of 4 stars; one submission).

Submission:

GeneDx
Classification: Likely pathogenic. Last evaluated: 2023-12-18. Review status: criteria provided, single submitter. Criteria: GeneDx Variant Classification Process June 2021. Collection method: clinical testing. Allele origin: germline. Affected: yes.
Comment: Reported in patient with high hyperopia in the published literature (PMID: 31172260); Canonical splice site variant predicted to result in an in-frame loss of the adjacent exon in a gene for which loss of function is a known mechanism of disease; Not observed at significant frequency in large population cohorts (gnomAD); This variant is associated with the following publications: (PMID: 36013096, 36467480, Rastmanesh2022[article], 31172260)

NM_001127392.3(MYRF):c.3194+2T>C

Gene: MYRF (myelin regulatory factor; plus strand). Cytogenetic location: 11q12.2.
Variant type: single nucleotide variant.
Coding change: c.3194+2T>C on transcript NM_001127392.3 (MANE Select); the canonical splice donor site of the intron after coding-DNA position 3194, T replaced by C.
Molecular consequence: splice donor variant.
Genome position (GRCh38, 1-based): chr11:61,783,927, T>C. VCF-style: chr11-61783927-T-C. GRCh37 (hg19) VCF-style: chr11-61551399-T-C.
Other names: c.3074+2T>C (NM_013279.4).
Identifiers: ClinVar variation 3252813 (VCV003252813.1), dbSNP rs2541022132.